The following is an entry in ClinVar:

NM_005120.3(MED12):c.6186G>T (p.Gln2062His)

Gene: MED12 (mediator complex subunit 12; plus strand). Cytogenetic location: Xq13.1.
Variant type: single nucleotide variant.
Coding change: c.6186G>T on transcript NM_005120.3 (MANE Select); coding-DNA position 6186, G replaced by T.
Protein change: p.Gln2062His; replaces glutamine 2062 with histidine.
Molecular consequence: missense variant.
Genome position (GRCh38, 1-based): chrX:71,140,776, G>T. VCF-style: chrX-71140776-G-T. GRCh37 (hg19) VCF-style: chrX-70360626-G-T.
Other names: short protein forms Q2062H.
Identifiers: ClinVar variation 4801088 (VCV004801088.1).

ClinVar aggregate classification (germline): Uncertain significance (1 of 4 stars; one submission).

Conditions:
FG syndrome (FGS). Identifiers: MedGen C0220769, MONDO:0002010.

Submission:

Labcorp Genetics (formerly Invitae), Labcorp
Classification: Uncertain significance for FG syndrome. Last evaluated: 2026-01-25. Review status: criteria provided, single submitter. Criteria: Invitae Variant Classification Sherloc (09022015). Collection method: clinical testing. Allele origin: germline.
Comment: This sequence change replaces glutamine, which is neutral and polar, with histidine, which is basic and polar, at codon 2062 of the MED12 protein (p.Gln2062His). This variant is not present in population databases (gnomAD no frequency). This variant has not been reported in the literature in individuals affected with MED12-related conditions. Invitae Evidence Modeling of protein sequence and biophysical properties (such as structural, functional, and spatial information, amino acid conservation, physicochemical variation, residue mobility, and thermodynamic stability) indicates that this missense variant is not expected to disrupt MED12 protein function with a negative predictive value of 95%. In summary, the available evidence is currently insufficient to determine the role of this variant in disease. Therefore, it has been classified as a Variant of Uncertain Significance.